The following is an entry in ClinVar:

ClinVar aggregate classification (germline): Uncertain significance. Review status: criteria provided, multiple submitters, no conflicts (2 of 4 stars). 3 submissions from 3 submitters: Uncertain significance (3). Last evaluated 2026-01-02.

Conditions:
PKD1-related disorder. Also called: PKD1-related condition.

Allele frequency attached by ClinVar (database versions not stated): gnomAD exomes below 0.00001; TOPMed 0.00001.
gnomAD v4.1: 2 of 1,588,924 alleles (0.00013%); no homozygotes.

Submissions (3):

PreventionGenetics, part of Exact Sciences
Classification: Uncertain significance for PKD1-related condition. Last evaluated: 2026-01-02. Review status: criteria provided, single submitter. Criteria: ACMG Guidelines, 2015. Collection method: clinical testing. Allele origin: germline.
Comment: The PKD1 c.10407T>A variant is predicted to result in the amino acid substitution p.Asp3469Glu. This variant has been reported as a variant of uncertain significance in two individuals with polycystic kidney disease, and one of the individuals also carried a PKD2 frameshift variant located in the terminal exon (Table S3, Mallawaarachchi et al. 2021. PubMed ID: 33437033; Al-Hamed et al. 2022. PubMed ID: 36177613). This variant has also been reported in an individual with dextro-transposition of the great arteries from a cohort study of congenital heart disease (Table S7, Lesurf et al. 2024. PubMed ID: 39402625). This variant is predicted to impact splicing based on available splicing prediction programs (SpliceAI, Jaganathan et al. 2019. PubMed ID: 30661751). Functional studies with a minigene splicing assay showed that this variant causes intron retention predicted to result in a frameshift and premature protein termination (Xie et al. 2021. PubMed ID: 34257392). This variant has been reported in 1 heterozygous individual within the ‘other’ subpopulation in gnomAD and is interpreted as uncertain significance in ClinVar (Variation ID: 636902). An alternate missense change at the same amino acid position (p.Asp3469Asn) has been reported in an individual with polycystic kidney disease (described as p.Asp3468Asn in Table S6C, Kim et al. 2019. PubMed ID: 31740684). Although we suspect that the c.10407T>A (p.Asp3469Glu) variant may be pathogenic, at this time, the clinical significance of this variant is uncertain due to the absence of conclusive functional and genetic evidence.

Blueprint Genetics
Classification: Uncertain significance. Last evaluated: 2021-11-02. Review status: criteria provided, single submitter. Criteria: ACMG Guidelines, 2015. Collection method: clinical testing. Allele origin: germline.

Molecular Genetics of Inherited Kidney Disorders Laboratory, Garvan Institute of Medical Research
Classification: Uncertain significance. Last evaluated: 2019-01-01. Review status: criteria provided, single submitter. Criteria: ACMG Guidelines, 2015. Collection method: clinical testing. Allele origin: germline. Affected: yes.

NM_001009944.3(PKD1):c.10407T>A (p.Asp3469Glu)

Gene: PKD1 (polycystin 1, transient receptor potential channel interacting; minus strand). Cytogenetic location: 16p13.3.
Variant type: single nucleotide variant.
Coding change: c.10407T>A on transcript NM_001009944.3 (MANE Select); coding-DNA position 10407, T replaced by A.
Protein change: p.Asp3469Glu; replaces aspartic acid 3469 with glutamic acid.
Molecular consequence: missense variant.
Genome position (GRCh38, 1-based): chr16:2,097,240, A>T on the plus strand (T>A on the coding strand, the complement: PKD1 is on the minus strand). VCF-style: chr16-2097240-A-T. GRCh37 (hg19) VCF-style: chr16-2147241-A-T.
Other names: c.10404T>A, p.Asp3468Glu (NM_000296.4); short protein forms D3469E, D3468E.
Identifiers: ClinVar variation 636902 (VCV000636902.4), dbSNP rs373139880, ClinGen allele CA276770755.